The following is an entry in ClinVar:

ClinVar aggregate classification (germline): Conflicting classifications of pathogenicity. Review status: criteria provided, conflicting classifications (1 of 4 stars). 8 submissions from 8 submitters: Uncertain significance (6); Likely benign (1). 1 of the submissions does not count toward it. Last evaluated 2026-02-05.

Conditions:
Inborn genetic diseases. Identifiers: MedGen C0950123, MeSH D030342.
Carnitine palmitoyltransferase II deficiency. Also called: Carnitine Palmitoyltransferase 2 Deficiency. Identifiers: Orphanet 157, MedGen C0342790, MONDO:0015515.

Allele frequency attached by ClinVar (database versions not stated): gnomAD exomes 0.00002 and 0.00008; ExAC 0.00012; 1000 Genomes Project 30x 0.00016; 1000 Genomes Project 0.00020; gnomAD 0.00021 and 0.00022; TOPMed 0.00021; ESP Exome Variant Server 0.00054.

Submissions (8):

Women's Health and Genetics/Laboratory Corporation of America, LabCorp
Classification: Uncertain significance. Last evaluated: 2026-02-05. Review status: criteria provided, single submitter. Criteria: LabCorp Variant Classification Summary - May 2015. Collection method: clinical testing. Allele origin: germline.
Comment: Variant summary: CPT2 c.912G>T (p.Gln304His) results in a non-conservative amino acid change in the encoded protein sequence. Algorithms developed to predict the effect of missense changes on protein structure and function all suggest that this variant is likely to be disruptive. The variant allele was found at a frequency of 8e-05 in 251412 control chromosomes. This frequency is not significantly higher than estimated for disease-causing variants in CPT2, allowing no conclusion about variant significance. c.912G>T has been reported in the literature in individuals affected with hyperCKemia, myalgia, and exercise intolerance without strong evidence of causality (Invernizzi_2023). This report does not provide unequivocal conclusions about association of the variant with Carnitine Palmitoyltransferase II Deficiency. To our knowledge, no experimental evidence demonstrating an impact on protein function has been reported. The following publication has been ascertained in the context of this evaluation (PMID: 37510298). ClinVar contains an entry for this variant (Variation ID: 429622). Based on the evidence outlined above, the variant was classified as uncertain significance.

Labcorp Genetics (formerly Invitae), Labcorp
Classification: Likely benign for Carnitine palmitoyltransferase II deficiency. Last evaluated: 2026-01-27. Review status: criteria provided, single submitter. Criteria: Invitae Variant Classification Sherloc (09022015). Collection method: clinical testing. Allele origin: germline.

ARUP Laboratories, Molecular Genetics and Genomics, ARUP Laboratories
Classification: Uncertain significance. Last evaluated: 2025-04-08. Review status: criteria provided, single submitter. Criteria: ARUP Molecular Germline Variant Investigation Process 2024. Collection method: clinical testing. Allele origin: germline.
Comment: The CPT2 c.912G>T; p.Gln304His variant (rs141553491, ClinVar Variation ID 429622) is reported in the literature in one individual affected with myalgia, who also carried two other CPT2 variants, p.Val446Ile and p.Val507Ile (Invernizzi 2023). The p.Gln304His variant is found in the African/African-American population with an allele frequency of 0.084 % (21/24,954 alleles) in the Genome Aggregation Database (v2.1.1). Computational analyses are uncertain whether this variant is neutral or deleterious (REVEL: 0.415). Due to limited information, the clinical significance of p.Gln304His variant is uncertain at this time. References: Invernizzi F et al. NGS-Based Genetic Analysis in a Cohort of Italian Patients with Suspected Inherited Myopathies and/or HyperCKemia. Genes (Basel). 2023 Jul 2;14(7):1393. PMID: 37510298.

Blueprint Genetics
Classification: Uncertain significance. Last evaluated: 2024-10-09. Review status: criteria provided, single submitter. Criteria: ACMG Guidelines, 2015. Collection method: clinical testing. Allele origin: germline.

GeneDx
Classification: Uncertain significance. Last evaluated: 2024-10-01. Review status: criteria provided, single submitter. Criteria: GeneDx Variant Classification Process June 2021. Collection method: clinical testing. Allele origin: germline. Affected: yes.
Comment: In silico analysis indicates that this missense variant does not alter protein structure/function; This variant is associated with the following publications: (PMID: 37510298)

Illumina Laboratory Services, Illumina
Classification: Uncertain significance for Carnitine palmitoyltransferase II deficiency. Last evaluated: 2024-02-05. Review status: criteria provided, single submitter. Criteria: ISL SNV Classification Criteria 03 February 2026. Collection method: clinical testing. Allele origin: unknown.
Comment: The CPT2 c.912G>T p.(Gln304His) missense variant been reported in an individual with high CK, myalgia, exercise intolerance. This individual was also noted to carry two other missense variants in this gene of unknown phase (PMID: 37510298). This variant is not observed at a significant frequency in version 2.1.1 or version 4.0.0 of the Genome Aggregation Database. Based on the available evidence, the c.912G>T p.(Gln304His) variant is classified as a variant of uncertain significance for carnitine palmitoyltransferase II deficiency.

Ambry Genetics
Classification: Uncertain significance for Inborn genetic diseases. Last evaluated: 2021-12-03. Review status: criteria provided, single submitter. Criteria: Ambry Variant Classification Scheme 2023. Collection method: clinical testing. Allele origin: germline.

Natera, Inc.
Classification: Uncertain significance for Carnitine palmitoyltransferase II deficiency. Last evaluated: 2020-01-17. Review status: no assertion criteria provided. Collection method: clinical testing. Allele origin: germline. Not counted in ClinVar's aggregate classification.

Literature cited by the submitters: PubMed 37510298 (cited by Women's Health and Genetics/Laboratory Corporation of America, LabCorp and Illumina Laboratory Services, Illumina).

NM_000098.3(CPT2):c.912G>T (p.Gln304His)

Gene: CPT2 (carnitine palmitoyltransferase 2; plus strand). Cytogenetic location: 1p32.3.
Variant type: single nucleotide variant.
Coding change: c.912G>T on transcript NM_000098.3 (MANE Select); coding-DNA position 912, G replaced by T.
Protein change: p.Gln304His; replaces glutamine 304 with histidine.
Molecular consequence: missense variant.
Genome position (GRCh38, 1-based): chr1:53,210,586, G>T. VCF-style: chr1-53210586-G-T. GRCh37 (hg19) VCF-style: chr1-53676258-G-T.
Other names: c.912G>T, p.Gln304His (NM_001330589.2); short protein forms Q304H.
Identifiers: ClinVar variation 429622 (VCV000429622.19), dbSNP rs141553491, ClinGen allele CA859078.
Genomic context (GRCh38, chr1:53,210,586, plus strand): 5'-CGAGTTTCCCCTGGCATACCTGACCAGTGAGAACCGAGACATCTGGGCAGAGCTCAGGCA[G>T]AAGCTGATGAGTAGTGGCAATGAGGAGAGCCTGAGGAAAGTGGACTCGGCAGTGTTCTGT-3'
Protein context (NP_000089.1, residues 294-314): ENRDIWAELR[Gln304His]KLMSSGNEES